The following is an entry in ClinVar:

ClinVar aggregate classification (germline): Conflicting classifications of pathogenicity. Review status: criteria provided, conflicting classifications (1 of 4 stars). 4 submissions from 4 submitters: Likely pathogenic (3); Uncertain significance (1). Last evaluated 2026-07-23.

Conditions:
DDX41-related hematologic malignancy predisposition syndrome. Also called: Myeloproliferative/lymphoproliferative neoplasms, familial (multiple types), susceptibility to; DDX41-Associated Familial Myelodysplastic Syndrome and Acute Myeloid Leukemia. Identifiers: Orphanet 488647, MedGen C4225174, MONDO:0014809, OMIM 616871.
Inborn genetic diseases. Identifiers: MedGen C0950123, MeSH D030342.

gnomAD v4.1: 14 of 1,595,616 alleles (0.00088%); highest among the groups gnomAD compares: African/African-American, 0.0013%; no homozygotes.

Submissions (4):

Centre de Génétique Humaine, Institut de Pathologie Et de Génétique
Classification: Likely pathogenic for DDX41-related hematologic malignancy predisposition syndrome. Last evaluated: 2026-07-23. Review status: criteria provided, single submitter. Criteria: ACMG Guidelines, 2015. Collection method: clinical testing. Allele origin: germline. Inheritance: Autosomal dominant inheritance. Affected: yes. Observed: 2 variant alleles, 2 heterozygotes. Clinical features observed: Acute myeloid leukemia (HP:0004808), Decreased total neutrophil count (HP:0001875), Decreased total leukocyte count (HP:0001882).
Comment: Moderately conserved nucleotide (phyloP: 5.35 [-19.0, 11.0]) GnomAD (v4.1.1): 14 alleles on 1595616 (predominant in European population: 0.00111%) - PM2 Predicted change at donor site 1 bps upstream: -100.0% - PP3 MaxEnt: -100.0% NNSPLICE: -100.0% SSF: -100.0% GeneSplicer: -100.0% CADD score: 34 SpliAI: 0.99 ClinVar: Conflicting classifications of pathogenicity, VCV003899308.3 Splicing analysis: exon 2 skipping (inframe deletion) - PVS1 downgraded to moderate + PM4

Labcorp Genetics (formerly Invitae), Labcorp
Classification: Likely pathogenic. Last evaluated: 2025-12-24. Review status: criteria provided, single submitter. Criteria: Invitae Variant Classification Sherloc (09022015). Collection method: clinical testing. Allele origin: germline.
Comment: This sequence change affects a donor splice site in intron 2 of the DDX41 gene. It is expected to disrupt RNA splicing. Variants that disrupt the donor or acceptor splice site typically lead to a loss of protein function (PMID: 16199547), and loss-of-function variants in DDX41 are known to be pathogenic (PMID: 26712909, 27133828). This variant is not present in population databases (gnomAD no frequency). Disruption of this splice site has been observed in individual(s) with clinical features of DDX41-related conditions (PMID: 35443031). ClinVar contains an entry for this variant (Variation ID: 3899308). Algorithms developed to predict the effect of sequence changes on RNA splicing suggest that this variant may disrupt the consensus splice site. In summary, the currently available evidence indicates that the variant is pathogenic, but additional data are needed to prove that conclusively. Therefore, this variant has been classified as Likely Pathogenic.

Ambry Genetics
Classification: Uncertain significance for Inborn genetic diseases. Last evaluated: 2025-12-02. Review status: criteria provided, single submitter. Criteria: Ambry Variant Classification Scheme 2023. Collection method: clinical testing. Allele origin: germline.
Comment: The c.138+1G>C intronic variant results from a G to C substitution one nucleotide after coding exon 2 of the DDX41 gene. Alterations that disrupt the canonical splice site are expected to cause aberrant splicing. A resulting transcript is predicted to be in-frame and is not expected to trigger nonsense-mediated mRNA decay; although, direct evidence is unavailable. This nucleotide position is highly conserved in available vertebrate species. In silico splice site analysis predicts that this alteration will weaken the native splice donor site; however, direct evidence is insufficient at this time (Ambry internal data). Based on the available evidence, the clinical significance of this variant remains unclear.

Saint-Louis Hospital, Assistance Publique Hôpitaux de Paris
Classification: Likely pathogenic for DDX41-related hematologic malignancy predisposition syndrome. Last evaluated: 2025-05-13. Review status: criteria provided, single submitter. Criteria: ACMG Guidelines, 2015. Collection method: clinical testing. Allele origin: germline. Affected: yes.
Comment: The variant DDX41(NM_016222.4):c.138+1G>C is predicted to have an high impact on splicing and may disrupt protein. Moreover, loss-of-function variants in DDX41 are known to be pathogenic (PMID: 26712909, 27133828). Moreover it is absent form control population databases.

Literature cited by the submitters: PubMed 16199547 (cited by Labcorp Genetics (formerly Invitae), Labcorp); PubMed 26712909 (cited by Labcorp Genetics (formerly Invitae), Labcorp and Saint-Louis Hospital, Assistance Publique Hôpitaux de Paris); PubMed 27133828 (cited by Labcorp Genetics (formerly Invitae), Labcorp and Saint-Louis Hospital, Assistance Publique Hôpitaux de Paris); PubMed 35443031 (cited by Labcorp Genetics (formerly Invitae), Labcorp).

NM_016222.4(DDX41):c.138+1G>C

Gene: DDX41 (DEAD-box helicase 41; minus strand). Cytogenetic location: 5q35.3.
Variant type: single nucleotide variant.
Coding change: c.138+1G>C on transcript NM_016222.4 (MANE Select); the canonical splice donor site of the intron after coding-DNA position 138, G replaced by C.
Molecular consequence: splice donor variant. On other transcripts: 5 prime UTR variant (1).
Genome position (GRCh38, 1-based): chr5:177,516,724, C>G on the plus strand (G>C on the coding strand, the complement: DDX41 is on the minus strand). VCF-style: chr5-177516724-C-G. GRCh37 (hg19) VCF-style: chr5-176943725-C-G.
Other names: c.-517G>C (NM_001321732.2); c.-310+1G>C (NM_001321830.2); c.138+1G>C (NM_016222.2).
Identifiers: ClinVar variation 3899308 (VCV003899308.4).